The following is an entry in ClinVar:

ClinVar aggregate classification (germline): Uncertain significance (1 of 4 stars; one submission).

Allele frequency attached by ClinVar (database versions not stated): gnomAD exomes below 0.00001; ExAC 0.00001.
gnomAD v4.1: 4 of 1,614,108 alleles (0.00025%); highest among the groups gnomAD compares: Admixed American, 0.005%; no homozygotes.

Submission:

Ambry Genetics
Classification: Uncertain significance. Last evaluated: 2024-01-08. Review status: criteria provided, single submitter. Criteria: Ambry Variant Classification Scheme 2023. Collection method: clinical testing. Allele origin: germline.
Comment: The p.I982V variant (also known as c.2944A>G), located in coding exon 15 of the NPAT gene, results from an A to G substitution at nucleotide position 2944. The isoleucine at codon 982 is replaced by valine, an amino acid with highly similar properties. This amino acid position is conserved. In addition, this alteration is predicted to be tolerated by in silico analysis. Since supporting evidence is limited at this time, the clinical significance of this alteration remains unclear.

NM_002519.3(NPAT):c.2944A>G (p.Ile982Val)

Gene: NPAT (nuclear protein, coactivator of histone transcription; minus strand). Cytogenetic location: 11q22.3.
Variant type: single nucleotide variant.
Coding change: c.2944A>G on transcript NM_002519.3 (MANE Select); coding-DNA position 2944, A replaced by G.
Protein change: p.Ile982Val; replaces isoleucine 982 with valine.
Molecular consequence: missense variant.
Genome position (GRCh38, 1-based): chr11:108,169,810, T>C on the plus strand (A>G on the coding strand, the complement: NPAT is on the minus strand). VCF-style: chr11-108169810-T-C. GRCh37 (hg19) VCF-style: chr11-108040537-T-C.
Other names: c.2944A>G, p.Ile982Val (NM_001321307.1); short protein forms I982V.
Identifiers: ClinVar variation 1797951 (VCV001797951.2), dbSNP rs773156363, ClinGen allele CA6263697.